The following is an entry in ClinVar:

NM_000138.5(FBN1):c.4886T>C (p.Phe1629Ser)

Gene: FBN1 (fibrillin 1; minus strand). Cytogenetic location: 15q21.1.
Variant type: single nucleotide variant.
Coding change: c.4886T>C on transcript NM_000138.5 (MANE Select); coding-DNA position 4886, T replaced by C.
Protein change: p.Phe1629Ser; replaces phenylalanine 1629 with serine.
Molecular consequence: missense variant.
Genome position (GRCh38, 1-based): chr15:48,465,624, A>G on the plus strand (T>C on the coding strand, the complement: FBN1 is on the minus strand). VCF-style: chr15-48465624-A-G. GRCh37 (hg19) VCF-style: chr15-48757821-A-G.
Other names: c.4886T>C, p.Phe1629Ser (NM_001406716.1); short protein forms F1629S.
Identifiers: ClinVar variation 2773338 (VCV002773338.3), dbSNP rs1343255869, ClinGen allele CA392351167.

ClinVar aggregate classification (germline): Uncertain significance. Review status: criteria provided, multiple submitters, no conflicts (2 of 4 stars). 2 submissions from 2 submitters: Uncertain significance (2). Last evaluated 2025-03-24.

Conditions:
FBN1-related disorder. Also called: FBN1-related disorders.
Familial thoracic aortic aneurysm and aortic dissection (TAAD). Also called: Thoracic aortic aneurysms and dissections. Identifiers: Orphanet 91387, MedGen C4707243, MONDO:0019625.

Submissions (2):

PreventionGenetics, part of Exact Sciences
Classification: Uncertain significance for FBN1-related condition. Last evaluated: 2025-03-24. Review status: criteria provided, single submitter. Criteria: ACMG Guidelines, 2015. Collection method: clinical testing. Allele origin: germline.
Comment: The FBN1 c.4886T>C variant is predicted to result in the amino acid substitution p.Phe1629Ser. To our knowledge, this variant has not been reported in the literature or in a large population database (gnomAD), indicating this variant is rare. At this time, the clinical significance of this variant is uncertain due to the absence of conclusive functional and genetic evidence.

Color Diagnostics, LLC DBA Color Health
Classification: Uncertain significance for Familial thoracic aortic aneurysm and aortic dissection. Last evaluated: 2024-03-07. Review status: criteria provided, single submitter. Criteria: ACMG Guidelines, 2015. Collection method: clinical testing. Allele origin: germline.
Comment: This missense variant replaces phenylalanine with serine at codon 1629 of the FBN1 protein. Computational prediction suggests that this variant may have deleterious impact on protein structure and function (internally defined REVEL score threshold >= 0.7, PMID: 27666373). To our knowledge, functional studies have not been reported for this variant. This variant has not been reported in individuals affected with cardiovascular disorders in the literature. This variant has not been identified in the general population by the Genome Aggregation Database (gnomAD). The available evidence is insufficient to determine the role of this variant in disease conclusively. Therefore, this variant is classified as a Variant of Uncertain Significance.